The following is an entry in ClinVar:

ClinVar aggregate classification (germline): Likely benign. Review status: criteria provided, single submitter (1 of 4 stars). 2 submissions from 2 submitters: Likely benign (1). 1 of the submissions does not count toward it. Last evaluated 2026-01-01.

Conditions:
SETD1B-related disorder. Also called: SETD1B-related condition.

gnomAD v4.1: 19 of 1,549,394 alleles (0.0012%); highest among the groups gnomAD compares: East Asian, 0.02%; no homozygotes.

Submissions (2):

CeGaT Center for Human Genetics Tuebingen
Classification: Likely benign. Last evaluated: 2026-01-01. Review status: criteria provided, single submitter. Criteria: CeGaT Center For Human Genetics Tuebingen Variant Classification Criteria Version 2. Collection method: clinical testing. Allele origin: germline. Affected: yes. Observed: 1 variant allele.
Comment: SETD1B: BP4, BP7

PreventionGenetics, part of Exact Sciences
Classification: Likely benign for SETD1B-related condition. Last evaluated: 2019-09-18. Review status: no assertion criteria provided. Collection method: clinical testing. Allele origin: germline. Not counted in ClinVar's aggregate classification.
Comment: This variant is classified as likely benign based on ACMG/AMP sequence variant interpretation guidelines (Richards et al. 2015 PMID: 25741868, with internal and published modifications).

NM_001353345.2(SETD1B):c.4014G>A (p.Pro1338=)

Gene: SETD1B (SET domain containing 1B, histone lysine methyltransferase; plus strand). Cytogenetic location: 12q24.31.
Variant type: single nucleotide variant.
Coding change: c.4014G>A on transcript NM_001353345.2 (MANE Select); coding-DNA position 4014, G replaced by A.
Protein change: p.Pro1338=; no amino-acid change (proline 1338 retained).
Molecular consequence: synonymous variant.
Genome position (GRCh38, 1-based): chr12:121,822,593, G>A. VCF-style: chr12-121822593-G-A. GRCh37 (hg19) VCF-style: chr12-122260499-G-A.
Other names: NM_015048.1:c.3885G>A.
Identifiers: ClinVar variation 3355404 (VCV003355404.5).